The following is an entry in ClinVar:

ClinVar aggregate classification (germline): Uncertain significance. Review status: criteria provided, multiple submitters, no conflicts (2 of 4 stars). 2 submissions from 2 submitters: Uncertain significance (2). Last evaluated 2023-03-07.

Conditions:
EPILEPSY, CHILDHOOD ABSENCE, SUSCEPTIBILITY TO, 2 (ECA2). Identifiers: Orphanet 64280, MedGen C1843244, OMIM 607681.
Febrile seizures, familial, 8 (FEB8). Also called: CONVULSIONS, FAMILIAL FEBRILE, 8. Identifiers: Orphanet 36387, MedGen C1969810, MONDO:0011891, OMIM 607681.

Submissions (2):

GeneDx
Classification: Uncertain significance. Last evaluated: 2023-03-07. Review status: criteria provided, single submitter. Criteria: GeneDx Variant Classification Process June 2021. Collection method: clinical testing. Allele origin: germline. Affected: yes.
Comment: Not observed at significant frequency in large population cohorts (gnomAD); In silico analysis supports that this missense variant does not alter protein structure/function; Has not been previously published as pathogenic or benign to our knowledge

Labcorp Genetics (formerly Invitae), Labcorp
Classification: Uncertain significance for Febrile seizures, familial, 8; EPILEPSY, CHILDHOOD ABSENCE, SUSCEPTIBILITY TO, 2. Last evaluated: 2022-08-11. Review status: criteria provided, single submitter. Criteria: Invitae Variant Classification Sherloc (09022015). Collection method: clinical testing. Allele origin: germline.
Comment: This sequence change replaces arginine, which is basic and polar, with lysine, which is basic and polar, at codon 430 of the GABRG2 protein (p.Arg430Lys). This variant is not present in population databases (gnomAD no frequency). This variant has not been reported in the literature in individuals affected with GABRG2-related conditions. ClinVar contains an entry for this variant (Variation ID: 205555). Algorithms developed to predict the effect of missense changes on protein structure and function are either unavailable or do not agree on the potential impact of this missense change (SIFT: "Tolerated"; PolyPhen-2: "Probably Damaging"; Align-GVGD: "Class C0"). In summary, the available evidence is currently insufficient to determine the role of this variant in disease. Therefore, it has been classified as a Variant of Uncertain Significance.

NM_198904.4(GABRG2):c.1313G>A (p.Arg438Lys)

Gene: GABRG2 (gamma-aminobutyric acid type A receptor subunit gamma2; plus strand). Cytogenetic location: 5q34.
Variant type: single nucleotide variant.
Coding change: c.1313G>A on transcript NM_198904.4 (MANE Select); coding-DNA position 1313, G replaced by A.
Protein change: p.Arg438Lys; replaces arginine 438 with lysine.
Molecular consequence: missense variant. On other transcripts: 3 prime UTR variant (1).
Genome position (GRCh38, 1-based): chr5:162,153,253, G>A. VCF-style: chr5-162153253-G-A. GRCh37 (hg19) VCF-style: chr5-161580259-G-A.
Other names: p.R430K:AGA>AAA; c.1289G>A, p.Arg430Lys (NM_000816.3); c.1304G>A, p.Arg435Lys (NM_001375339.1); c.*147G>A (NM_001375340.1); c.1310G>A, p.Arg437Lys (NM_001375341.1); c.1286G>A, p.Arg429Lys (NM_001375342.1); c.1409G>A, p.Arg470Lys (NM_001375343.1); c.1352G>A, p.Arg451Lys (NM_001375344.1); and 7 more; short protein forms R430K, R478K, R438K, R290K, R298K, R335K, R408K, R409K.
Identifiers: ClinVar variation 205555 (VCV000205555.9), dbSNP rs796052514, ClinGen allele CA314750.